The following is an entry in ClinVar:

NM_001089.3(ABCA3):c.4731T>A (p.Cys1577Ter)

Gene: ABCA3 (ATP binding cassette subfamily A member 3; minus strand). Cytogenetic location: 16p13.3.
Variant type: single nucleotide variant.
Coding change: c.4731T>A on transcript NM_001089.3 (MANE Select); coding-DNA position 4731, T replaced by A.
Protein change: p.Cys1577Ter; replaces cysteine 1577 with a stop codon.
Molecular consequence: nonsense.
Genome position (GRCh38, 1-based): chr16:2,278,057, A>T on the plus strand (T>A on the coding strand, the complement: ABCA3 is on the minus strand). VCF-style: chr16-2278057-A-T. GRCh37 (hg19) VCF-style: chr16-2328058-A-T.
Other names: short protein forms C1577*.
Identifiers: ClinVar variation 5014583 (VCV005014583.1).
Genomic context (GRCh38, chr16:2,278,057, plus strand): 5'-GCTGCCCAGGCACTTGAACTGCCCCTGCACCATGATGGCCAGCCGGGTGCACAGGGCCTC[A>T]CACTCCTCCATGCTGTGGAGAGGGCGGGACCTCAGATAGGGCTTGGGGTGCCAAAGGCTT-3'

ClinVar aggregate classification (germline): Pathogenic (1 of 4 stars; one submission).

Conditions:
Interstitial lung disease due to ABCA3 deficiency. Also called: PULMONARY ALVEOLAR PROTEINOSIS, CONGENITAL, 3. Identifiers: Orphanet 440402, MedGen C1970456, MONDO:0012582, OMIM 610921.

Submission:

Myriad Genetics, Inc.
Classification: Pathogenic for Interstitial lung disease due to ABCA3 deficiency. Last evaluated: 2025-06-11. Review status: criteria provided, single submitter. Criteria: Myriad Autosomal Dominant, Autosomal Recessive and X-Linked Classification Criteria (2023). Collection method: clinical testing. Allele origin: unknown.
Comment: NM_001089.2(ABCA3):c.4731T>A(C1577*) is expected to be pathogenic in the context of surfactant deficiency, ABCA3-related. This variant is predicted to lead to an abnormal or absent protein product due to the creation of a premature termination codon in ABCA3, a gene where loss-of-function variants are known to be pathogenic. Please note: this variant was assessed in the context of healthy population screening.